The following is an entry in ClinVar:

ClinVar aggregate classification (germline): Uncertain significance (1 of 4 stars; one submission).

Submission:

GeneDx
Classification: Uncertain significance. Last evaluated: 2025-06-25. Review status: criteria provided, single submitter. Criteria: GeneDx Variant Classification Process June 2021. Collection method: clinical testing. Allele origin: germline.
Comment: Not observed at significant frequency in large population cohorts (gnomAD); In silico analysis supports that this missense variant has a deleterious effect on protein structure/function; Has not been previously published as pathogenic or benign to our knowledge

NM_000218.3(KCNQ1):c.665T>C (p.Phe222Ser)

Gene: KCNQ1 (potassium voltage-gated channel subfamily Q member 1; plus strand). Cytogenetic location: 11p15.5.
Variant type: single nucleotide variant.
Coding change: c.665T>C on transcript NM_000218.3 (MANE Select); coding-DNA position 665, T replaced by C.
Protein change: p.Phe222Ser; replaces phenylalanine 222 with serine.
Molecular consequence: missense variant. On other transcripts: intron variant (1).
Genome position (GRCh38, 1-based): chr11:2,571,385, T>C. VCF-style: chr11-2571385-T-C. GRCh37 (hg19) VCF-style: chr11-2592615-T-C.
Other names: c.665T>C, p.Phe222Ser (NM_001406836.1); c.395T>C, p.Phe132Ser (NM_001406837.1); c.284T>C, p.Phe95Ser (NM_181798.2); c.478-12050T>C (NM_001406838.1); short protein forms F132S, F222S, F95S.
Identifiers: ClinVar variation 3903307 (VCV003903307.2).
Genomic context (GRCh38, chr11:2,571,385, plus strand): 5'-ACCTCATCGTGGTCGTGGCCTCCATGGTGGTCCTCTGCGTGGGCTCCAAGGGGCAGGTGT[T>C]TGCCACGTCGGCCATCAGGTGCGTCTGTGCCACAAGCTCCCCCCGCCATGCCGCCCCACC-3'
Protein context (NP_000209.2, residues 212-232): VLCVGSKGQV[Phe222Ser]ATSAIRGIRF